The following is an entry in ClinVar:

NM_019892.6(INPP5E):c.1550-72G>A

Gene: INPP5E (inositol polyphosphate-5-phosphatase E; minus strand). Cytogenetic location: 9q34.3.
Variant type: single nucleotide variant.
Coding change: c.1550-72G>A on transcript NM_019892.6 (MANE Select); 72 bases into the intron before coding-DNA position 1550, G replaced by A.
Molecular consequence: intron variant.
Genome position (GRCh38, 1-based): chr9:136,431,189, C>T on the plus strand (G>A on the coding strand, the complement: INPP5E is on the minus strand). VCF-style: chr9-136431189-C-T. GRCh37 (hg19) VCF-style: chr9-139325641-C-T.
Other names: c.1547-72G>A (NM_001318502.2).
Identifiers: ClinVar variation 675039 (VCV000675039.2), dbSNP rs68002978, ClinGen allele CA12976322.

ClinVar aggregate classification (germline): Benign. Review status: criteria provided, multiple submitters, no conflicts (2 of 4 stars). 2 submissions from 2 submitters: Benign (2). Last evaluated 2018-06-14.

Allele frequency attached by ClinVar (database versions not stated): 1000 Genomes Project 0.34026.
gnomAD v4.1: 286,263 of 781,088 alleles (37%); highest among the groups gnomAD compares: Admixed American, 48%; 60,111 homozygotes.

Submissions (2):

GeneDx
Classification: Benign. Last evaluated: 2018-06-14. Review status: criteria provided, single submitter. Criteria: GeneDx Variant Classification (06012015). Collection method: clinical testing. Allele origin: germline. Affected: yes.
Comment: This variant is considered likely benign or benign based on one or more of the following criteria: it is a conservative change, it occurs at a poorly conserved position in the protein, it is predicted to be benign by multiple in silico algorithms, and/or has population frequency not consistent with disease.

Breakthrough Genomics
Classification: Benign. Review status: criteria provided, single submitter. Criteria: ACMG Guidelines, 2015. Collection method: not provided. Allele origin: germline. Inheritance: Autosomal recessive inheritance. Affected: yes.